The following is an entry in ClinVar:

NM_022114.4(PRDM16):c.3703G>A (p.Ala1235Thr)

Gene: PRDM16 (PR/SET domain 16; plus strand). Cytogenetic location: 1p36.32.
Variant type: single nucleotide variant.
Coding change: c.3703G>A on transcript NM_022114.4 (MANE Select); coding-DNA position 3703, G replaced by A.
Protein change: p.Ala1235Thr; replaces alanine 1235 with threonine.
Molecular consequence: missense variant. On other transcripts: intron variant (1).
Genome position (GRCh38, 1-based): chr1:3,433,683, G>A. VCF-style: chr1-3433683-G-A. GRCh37 (hg19) VCF-style: chr1-3350247-G-A.
Other names: c.3697-51G>A (NM_199454.3); short protein forms A1235T.
Identifiers: ClinVar variation 3006004 (VCV003006004.3), dbSNP rs2100708180, ClinGen allele CA338005559.

ClinVar aggregate classification (germline): Uncertain significance (1 of 4 stars; one submission).

Conditions:
Left ventricular noncompaction 8 (LVNC8). Identifiers: Orphanet 154, Orphanet 54260, MedGen C3809288, MONDO:0014152, OMIM 615373.

Allele frequency attached by ClinVar (database versions not stated): gnomAD exomes 0.00001.
gnomAD v4.1: 3 of 1,613,682 alleles (0.00019%); highest among the groups gnomAD compares: East Asian, 0.0067%; no homozygotes.

Submission:

Labcorp Genetics (formerly Invitae), Labcorp
Classification: Uncertain significance for Left ventricular noncompaction 8. Last evaluated: 2024-01-21. Review status: criteria provided, single submitter. Criteria: Invitae Variant Classification Sherloc (09022015). Collection method: clinical testing. Allele origin: germline.
Comment: This sequence change replaces alanine, which is neutral and non-polar, with threonine, which is neutral and polar, at codon 1235 of the PRDM16 protein (p.Ala1235Thr). This variant is not present in population databases (gnomAD no frequency). This variant has not been reported in the literature in individuals affected with PRDM16-related conditions. An algorithm developed to predict the effect of missense changes on protein structure and function (PolyPhen-2) suggests that this variant is likely to be tolerated. In summary, the available evidence is currently insufficient to determine the role of this variant in disease. Therefore, it has been classified as a Variant of Uncertain Significance.